The following is an entry in ClinVar:

ClinVar aggregate classification (germline): Uncertain significance (1 of 4 stars; one submission).

Submission:

Labcorp Genetics (formerly Invitae), Labcorp
Classification: Uncertain significance. Last evaluated: 2022-08-23. Review status: criteria provided, single submitter. Criteria: Invitae Variant Classification Sherloc (09022015). Collection method: clinical testing. Allele origin: germline.
Comment: In summary, the available evidence is currently insufficient to determine the role of this variant in disease. Therefore, it has been classified as a Variant of Uncertain Significance. Advanced modeling of protein sequence and biophysical properties (such as structural, functional, and spatial information, amino acid conservation, physicochemical variation, residue mobility, and thermodynamic stability) performed at Invitae indicates that this missense variant is expected to disrupt MTOR protein function. ClinVar contains an entry for this variant (Variation ID: 1468264). This variant has not been reported in the literature in individuals affected with MTOR-related conditions. This variant is not present in population databases (gnomAD no frequency). This sequence change replaces serine, which is neutral and polar, with cysteine, which is neutral and slightly polar, at codon 832 of the MTOR protein (p.Ser832Cys).

NM_004958.4(MTOR):c.2495C>G (p.Ser832Cys)

Gene: MTOR (mechanistic target of rapamycin kinase; minus strand). Cytogenetic location: 1p36.22.
Variant type: single nucleotide variant.
Coding change: c.2495C>G on transcript NM_004958.4 (MANE Select); coding-DNA position 2495, C replaced by G.
Protein change: p.Ser832Cys; replaces serine 832 with cysteine.
Molecular consequence: missense variant.
Genome position (GRCh38, 1-based): chr1:11,232,455, G>C on the plus strand (C>G on the coding strand, the complement: MTOR is on the minus strand). VCF-style: chr1-11232455-G-C. GRCh37 (hg19) VCF-style: chr1-11292512-G-C.
Other names: c.2495C>G, p.Ser832Cys (NM_001386500.1); c.1247C>G, p.Ser416Cys (NM_001386501.1); short protein forms S832C, S416C.
Identifiers: ClinVar variation 1468264 (VCV001468264.8), dbSNP rs2100873199, ClinGen allele CA338383194.